The following is an entry in ClinVar:

ClinVar aggregate classification (germline): Conflicting classifications of pathogenicity. Review status: criteria provided, conflicting classifications (1 of 4 stars). 9 submissions from 9 submitters: Pathogenic (1); Likely pathogenic (5); Uncertain significance (1). 2 of the submissions do not count toward it. Last evaluated 2025-09-05.

Conditions:
Hereditary cancer-predisposing syndrome. Also called: Tumor predisposition; Hereditary Cancer Syndrome; Hereditary neoplastic syndrome; Neoplastic Syndromes, Hereditary. Identifiers: Orphanet 140162, MedGen C0027672, MeSH D009386, MONDO:0015356.
Bloom syndrome (BLM). Also called: Bloom-Torre-Machacek syndrome. Identifiers: Orphanet 125, MedGen C0005859, MONDO:0008876, OMIM 210900.

Allele frequency attached by ClinVar (database versions not stated): TOPMed below 0.00001; gnomAD exomes 0.00001; ExAC 0.00002; ESP Exome Variant Server 0.00008.
gnomAD v4.1: 3 of 1,612,912 alleles (0.00019%); highest among the groups gnomAD compares: Non-Finnish European, 0.00025%; no homozygotes.

Submissions (9):

Labcorp Genetics (formerly Invitae), Labcorp
Classification: Uncertain significance for Bloom syndrome. Last evaluated: 2025-09-05. Review status: criteria provided, single submitter. Criteria: Invitae Variant Classification Sherloc (09022015). Collection method: clinical testing. Allele origin: germline.
Comment: This sequence change affects an acceptor splice site in intron 20 of the BLM gene. RNA analysis indicates that disruption of this splice site induces altered splicing and likely results in the loss of 2 amino acid residue(s), but is expected to preserve the integrity of the reading-frame. This variant is present in population databases (rs150421256, gnomAD 0.002%). This variant has not been reported in the literature in individuals affected with BLM-related conditions. ClinVar contains an entry for this variant (Variation ID: 370814). Studies have shown that disruption of this splice site results in the activation of a cryptic splice site in exon 21 (internal data). In summary, the available evidence is currently insufficient to determine the role of this variant in disease. Therefore, it has been classified as a Variant of Uncertain Significance.

Otogenetics
Classification: Likely pathogenic for Bloom syndrome. Last evaluated: 2025-09-05. Review status: criteria provided, single submitter. Criteria: ACMG Guidelines, 2015. Collection method: clinical testing. Allele origin: germline.
Comment: PVS1_Strong: Splice site variant disrupts reading frame in gene with loss of function as mechanism of disease, predicted to undergo NMD; PM2: Maximum gnomAD MAF of 0.0018% in European-Non Finnish (NFE) subpopulation (<0.055% threshold)

Ambry Genetics
Classification: Likely pathogenic for Hereditary cancer-predisposing syndrome. Last evaluated: 2024-04-09. Review status: criteria provided, single submitter. Criteria: Ambry Variant Classification Scheme 2023. Collection method: clinical testing. Allele origin: germline.
Comment: The c.3875-2A>G intronic variant results from an A to G substitution two nucleotides before coding exon 20 of the BLM gene. This variant is considered to be rare based on population cohorts in the Genome Aggregation Database (gnomAD). This nucleotide position is highly conserved in available vertebrate species. In silico splice site analysis predicts that this alteration will weaken the native splice acceptor site and will result in the creation or strengthening of a novel splice acceptor site; however, direct evidence is insufficient at this time (Ambry internal data). Alterations that disrupt the canonical splice site are expected to cause aberrant splicing, resulting in an abnormal protein or a transcript that is subject to nonsense-mediated mRNA decay. As such, this alteration is classified as likely pathogenic.

Fulgent Genetics
Classification: Likely pathogenic for Bloom syndrome. Last evaluated: 2024-01-24. Review status: criteria provided, single submitter. Criteria: ACMG Guidelines, 2015. Collection method: clinical testing. Allele origin: germline.

Baylor Genetics
Classification: Pathogenic for Bloom syndrome. Last evaluated: 2023-03-21. Review status: criteria provided, single submitter. Criteria: ACMG Guidelines, 2015. Collection method: clinical testing. Allele origin: unknown.

CeGaT Center for Human Genetics Tuebingen
Classification: Likely pathogenic. Last evaluated: 2019-09-01. Review status: criteria provided, single submitter. Criteria: CeGaT Center For Human Genetics Tuebingen Variant Classification Criteria Version 2. Collection method: clinical testing. Allele origin: germline. Affected: yes. Observed: 1 variant allele.

Mendelics
Classification: Likely pathogenic for Bloom syndrome. Last evaluated: 2018-07-02. Review status: criteria provided, single submitter. Criteria: Mendelics Assertion Criteria 2017. Collection method: clinical testing. Allele origin: unknown.

Natera, Inc.
Classification: Likely pathogenic for Bloom syndrome. Last evaluated: 2021-04-23. Review status: no assertion criteria provided. Collection method: clinical testing. Allele origin: germline. Not counted in ClinVar's aggregate classification.

Counsyl
Classification: Likely pathogenic for Bloom syndrome. Last evaluated: 2016-04-22. Review status: no assertion criteria provided. Collection method: clinical testing. Allele origin: unknown. Not counted in ClinVar's aggregate classification.

Literature cited by the submitters: PubMed 26247052 (cited by Counsyl).

NM_000057.4(BLM):c.3875-2A>G

Gene: BLM (BLM RecQ like helicase; plus strand). Cytogenetic location: 15q26.1.
Variant type: single nucleotide variant.
Coding change: c.3875-2A>G on transcript NM_000057.4 (MANE Select); the canonical splice acceptor site of the intron before coding-DNA position 3875, A replaced by G.
Molecular consequence: splice acceptor variant.
Genome position (GRCh38, 1-based): chr15:90,811,203, A>G. VCF-style: chr15-90811203-A-G. GRCh37 (hg19) VCF-style: chr15-91354433-A-G.
Other names: c.3875-2A>G (NM_001287246.2); c.2750-2A>G (NM_001287248.2); c.3482-2A>G (NM_001287247.2).
Identifiers: ClinVar variation 370814 (VCV000370814.62), dbSNP rs150421256, ClinGen allele CA7739151.